The following is an entry in ClinVar:

NM_002769.5(PRSS1):c.305A>T (p.Lys102Met)

Genes: TRB (T cell receptor beta locus; plus strand), PRSS1 (serine protease 1; plus strand). Cytogenetic location: 7q34.
Variant type: single nucleotide variant.
Coding change: c.305A>T on transcript NM_002769.5 (MANE Select); coding-DNA position 305, A replaced by T.
Protein change: p.Lys102Met; replaces lysine 102 with methionine.
Molecular consequence: missense variant. On other transcripts: non-coding transcript variant (4).
Genome position (GRCh38, 1-based): chr7:142,751,878, A>T. VCF-style: chr7-142751878-A-T. GRCh37 (hg19) VCF-style: chr7-142459729-A-T.
Other names: short protein forms K102M.
Identifiers: ClinVar variation 3222797 (VCV003222797.1), dbSNP rs778568523, ClinGen allele CA369608748.

ClinVar aggregate classification (germline): Uncertain significance (1 of 4 stars; one submission).

Conditions:
Hereditary pancreatitis (PCTT). Also called: Hereditary chronic pancreatitis; PRSS1-Related Hereditary Pancreatitis. Identifiers: Orphanet 676, MedGen C0238339, MONDO:0008185, OMIM 167800.

Allele frequency attached by ClinVar (database versions not stated): gnomAD exomes 0.00452; 1000 Genomes Project 30x 0.11212.

Submission:

Ambry Genetics
Classification: Uncertain significance for Hereditary pancreatitis. Last evaluated: 2023-11-23. Review status: criteria provided, single submitter. Criteria: Ambry Variant Classification Scheme 2023. Collection method: clinical testing. Allele origin: germline.
Comment: The p.K102M variant (also known as c.305A>T), located in coding exon 3 of the PRSS1 gene, results from an A to T substitution at nucleotide position 305. The lysine at codon 102 is replaced by methionine, an amino acid with similar properties. This amino acid position is conserved. In addition, this alteration is predicted to be tolerated by in silico analysis. Since supporting evidence is limited at this time, the clinical significance of this alteration remains unclear.